The following is an entry in ClinVar:

ClinVar aggregate classification (germline): Benign/Likely benign. Review status: criteria provided, multiple submitters, no conflicts (2 of 4 stars). 4 submissions from 4 submitters: Benign (1); Likely benign (3). Last evaluated 2026-01-04.

Conditions:
FGFR2-related craniosynostosis. Identifiers: MedGen CN231480.

Allele frequency attached by ClinVar (database versions not stated): TOPMed 0.00017; gnomAD 0.00036 and 0.00043; ESP Exome Variant Server 0.00038; gnomAD exomes 0.00047 and 0.00068; ExAC 0.00063; 1000 Genomes Project 30x 0.00078; 1000 Genomes Project 0.00100.
gnomAD v4.1: 753 of 1,613,622 alleles (0.047%); highest among the groups gnomAD compares: South Asian, 0.2%; 1 homozygote.

Submissions (4):

Labcorp Genetics (formerly Invitae), Labcorp
Classification: Benign for FGFR2-related craniosynostosis. Last evaluated: 2026-01-04. Review status: criteria provided, single submitter. Criteria: Invitae Variant Classification Sherloc (09022015). Collection method: clinical testing. Allele origin: germline.

CeGaT Center for Human Genetics Tuebingen
Classification: Likely benign. Last evaluated: 2025-06-01. Review status: criteria provided, single submitter. Criteria: CeGaT Center For Human Genetics Tuebingen Variant Classification Criteria Version 2. Collection method: clinical testing. Allele origin: germline. Affected: yes. Observed: 2 variant alleles.
Comment: FGFR2: BP4, BP7

Blueprint Genetics
Classification: Likely benign. Last evaluated: 2024-11-05. Review status: criteria provided, single submitter. Criteria: ACMG Guidelines, 2015. Collection method: clinical testing. Allele origin: germline.

Eurofins Ntd Llc (ga)
Classification: Likely benign. Last evaluated: 2015-06-30. Review status: criteria provided, single submitter. Criteria: EGL Classification Definitions 2015. Collection method: clinical testing. Allele origin: germline. Observed: 1 variant allele, 1 heterozygote.

NM_000141.5(FGFR2):c.1788G>A (p.Glu596=)

Gene: FGFR2 (fibroblast growth factor receptor 2; minus strand). Cytogenetic location: 10q26.13.
Variant type: single nucleotide variant.
Coding change: c.1788G>A on transcript NM_000141.5 (MANE Select); coding-DNA position 1788, G replaced by A.
Protein change: p.Glu596=; no amino-acid change (glutamic acid 596 retained).
Molecular consequence: synonymous variant. On other transcripts: non-coding transcript variant (1).
Genome position (GRCh38, 1-based): chr10:121,496,607, C>T on the plus strand (G>A on the coding strand, the complement: FGFR2 is on the minus strand). VCF-style: chr10-121496607-C-T. GRCh37 (hg19) VCF-style: chr10-123256121-C-T.
Other names: c.1791G>A, p.Glu597= (NM_001144913.1, NM_022970.4); c.1452G>A, p.Glu484= (NM_001144914.1); c.1521G>A, p.Glu507= (NM_001144915.2, NM_023029.3); c.1443G>A, p.Glu481= (NM_001144916.2); c.1440G>A, p.Glu480= (NM_001144917.2); c.1437G>A, p.Glu479= (NM_001144918.2); c.1524G>A, p.Glu508= (NM_001144919.2); c.1104G>A, p.Glu368= (NM_001320654.2); and 1 more.
Identifiers: ClinVar variation 281582 (VCV000281582.37), dbSNP rs56335660, ClinGen allele CA5720650.